The following is an entry in ClinVar:

ClinVar aggregate classification (germline): Uncertain significance (1 of 4 stars; one submission).

Allele frequency attached by ClinVar (database versions not stated): ExAC 0.00001.
gnomAD v4.1: 5 of 1,614,066 alleles (0.00031%); highest among the groups gnomAD compares: Admixed American, 0.0017%; no homozygotes.

Submission:

Labcorp Genetics (formerly Invitae), Labcorp
Classification: Uncertain significance. Last evaluated: 2022-07-11. Review status: criteria provided, single submitter. Criteria: Invitae Variant Classification Sherloc (09022015). Collection method: clinical testing. Allele origin: germline.
Comment: In summary, the available evidence is currently insufficient to determine the role of this variant in disease. Therefore, it has been classified as a Variant of Uncertain Significance. Algorithms developed to predict the effect of missense changes on protein structure and function output the following: SIFT: "Tolerated"; PolyPhen-2: "Benign"; Align-GVGD: "Class C0". The alanine amino acid residue is found in multiple mammalian species, which suggests that this missense change does not adversely affect protein function. This variant has not been reported in the literature in individuals affected with RDH11-related conditions. This variant is present in population databases (rs775969760, gnomAD 0.003%). This sequence change replaces threonine, which is neutral and polar, with alanine, which is neutral and non-polar, at codon 36 of the RDH11 protein (p.Thr36Ala).

NM_016026.4(RDH11):c.106A>G (p.Thr36Ala)

Genes: GPHN (gephyrin; plus strand), RDH11 (retinol dehydrogenase 11; minus strand). Cytogenetic location: 14q24.1.
Variant type: single nucleotide variant.
Coding change: c.106A>G on transcript NM_016026.4 (MANE Select); coding-DNA position 106, A replaced by G.
Protein change: p.Thr36Ala; replaces threonine 36 with alanine.
Molecular consequence: missense variant.
Genome position (GRCh38, 1-based): chr14:67,693,021, T>C on the plus strand (A>G on the coding strand, the complement: RDH11 is on the minus strand). VCF-style: chr14-67693021-T-C. GRCh37 (hg19) VCF-style: chr14-68159738-T-C.
Other names: c.106A>G, p.Thr36Ala (NM_001252650.2); short protein forms T36A.
Identifiers: ClinVar variation 2063902 (VCV002063902.4), dbSNP rs775969760, ClinGen allele CA7238496.